The following is an entry in ClinVar:

NM_001458.5(FLNC):c.1882G>A (p.Val628Met)

Gene: FLNC (filamin C; plus strand). Cytogenetic location: 7q32.1.
Variant type: single nucleotide variant.
Coding change: c.1882G>A on transcript NM_001458.5 (MANE Select); coding-DNA position 1882, G replaced by A.
Protein change: p.Val628Met; replaces valine 628 with methionine.
Molecular consequence: missense variant.
Genome position (GRCh38, 1-based): chr7:128,841,238, G>A. VCF-style: chr7-128841238-G-A. GRCh37 (hg19) VCF-style: chr7-128481292-G-A.
Other names: c.1882G>A, p.Val628Met (NM_001127487.2); short protein forms V628M.
Identifiers: ClinVar variation 2159448 (VCV002159448.4), dbSNP rs2536628307, ClinGen allele CA369227282.

ClinVar aggregate classification (germline): Uncertain significance (1 of 4 stars; one submission).

Conditions:
Myofibrillar myopathy 5. Also called: Filaminopathy (type); FILAMINOPATHY, AUTOSOMAL DOMINANT. Identifiers: Orphanet 171445, MedGen C1836050, MONDO:0012289, OMIM 609524.
Hypertrophic cardiomyopathy 26. Also called: Cardiomyopathy, familial hypertrophic, 26. Identifiers: Orphanet 75249, MedGen C4310749, MONDO:0014883, OMIM 617047.
Distal myopathy with posterior leg and anterior hand involvement. Also called: WILLIAMS DISTAL MYOPATHY. Identifiers: Orphanet 63273, MedGen C3279722, MONDO:0013550, OMIM 614065.

Submission:

Labcorp Genetics (formerly Invitae), Labcorp
Classification: Uncertain significance for Distal myopathy with posterior leg and anterior hand involvement; Myofibrillar myopathy 5; Hypertrophic cardiomyopathy 26. Last evaluated: 2022-06-11. Review status: criteria provided, single submitter. Criteria: Invitae Variant Classification Sherloc (09022015). Collection method: clinical testing. Allele origin: germline.
Comment: This variant is not present in population databases (gnomAD no frequency). This sequence change replaces valine, which is neutral and non-polar, with methionine, which is neutral and non-polar, at codon 628 of the FLNC protein (p.Val628Met). This missense change has been observed in individual(s) with hypertrophic cardiomyopathy (PMID: 30411535). In summary, the available evidence is currently insufficient to determine the role of this variant in disease. Therefore, it has been classified as a Variant of Uncertain Significance. Algorithms developed to predict the effect of missense changes on protein structure and function are either unavailable or do not agree on the potential impact of this missense change (SIFT: "Tolerated"; PolyPhen-2: "Possibly Damaging"; Align-GVGD: "Class C0").

Literature cited by the submitters: PubMed 30411535.